The following is an entry in ClinVar:

ClinVar aggregate classification (germline): Uncertain significance (1 of 4 stars; one submission).

Conditions:
Pancreatic adenocarcinoma. Identifiers: MedGen C0281361, MONDO:0006047, HP:0006725.

Allele frequency attached by ClinVar (database versions not stated): TOPMed below 0.00001; gnomAD 0.00001.
gnomAD v4.1: 11 of 1,481,280 alleles (0.00074%); highest among the groups gnomAD compares: Admixed American, 0.0022%; no homozygotes.

Submission:

Labcorp Genetics (formerly Invitae), Labcorp
Classification: Uncertain significance for Pancreatic adenocarcinoma. Last evaluated: 2023-09-09. Review status: criteria provided, single submitter. Criteria: Invitae Variant Classification Sherloc (09022015). Collection method: clinical testing. Allele origin: germline.
Comment: This sequence change replaces alanine, which is neutral and non-polar, with threonine, which is neutral and polar, at codon 9 of the PALLD protein (p.Ala9Thr). This variant is present in population databases (no rsID available, gnomAD 0.006%). This variant has not been reported in the literature in individuals affected with PALLD-related conditions. An algorithm developed to predict the effect of missense changes on protein structure and function (PolyPhen-2) suggests that this variant is likely to be tolerated. In summary, the available evidence is currently insufficient to determine the role of this variant in disease. Therefore, it has been classified as a Variant of Uncertain Significance.

NM_001166108.2(PALLD):c.1965-13006G>A

Gene: PALLD (palladin, cytoskeletal associated protein; plus strand). Cytogenetic location: 4q32.3.
Variant type: single nucleotide variant.
Coding change: c.1965-13006G>A on transcript NM_001166108.2 (MANE Select); 13006 bases into the intron before coding-DNA position 1965, G replaced by A.
Molecular consequence: intron variant. On other transcripts: missense variant (1).
Genome position (GRCh38, 1-based): chr4:168,877,916, G>A. VCF-style: chr4-168877916-G-A. GRCh37 (hg19) VCF-style: chr4-169799067-G-A.
Other names: c.25G>A, p.Ala9Thr (NM_001166110.2); c.1965-13006G>A (NM_016081.4); c.819-13006G>A (NM_001166109.2); c.-157-13006G>A (NM_001367570.1, NM_001367568.1, NM_001367567.1 and 1 more transcripts); short protein forms A9T.
Identifiers: ClinVar variation 3018073 (VCV003018073.3), dbSNP rs1560838137, ClinGen allele CA358794693.
Genomic context (GRCh38, chr4:168,877,916, plus strand): 5'-CTCGCGGCCTGCACGCCGCCCGCGTCCCCGGAGCCCATGAGCGCGCTGGCCTCCCGCTCC[G>A]CCCCCGCCATGCAGTCCTCCGGCTCCTTCAACTACGCGCGCCCCAAGCAGTTCATCGCCG-3'